The following is an entry in ClinVar:

NM_198578.4(LRRK2):c.1441G>A (p.Ala481Thr)

Gene: LRRK2 (leucine rich repeat kinase 2; plus strand). Cytogenetic location: 12q12.
Variant type: single nucleotide variant.
Coding change: c.1441G>A on transcript NM_198578.4 (MANE Select); coding-DNA position 1441, G replaced by A.
Protein change: p.Ala481Thr; replaces alanine 481 with threonine.
Molecular consequence: missense variant.
Genome position (GRCh38, 1-based): chr12:40,259,502, G>A. VCF-style: chr12-40259502-G-A. GRCh37 (hg19) VCF-style: chr12-40653304-G-A.
Other names: short protein forms A481T.
Identifiers: ClinVar variation 3229516 (VCV003229516.1), dbSNP rs1396763672, ClinGen allele CA384411275.

ClinVar aggregate classification (germline): Uncertain significance (1 of 4 stars; one submission).

Conditions:
Inborn genetic diseases. Identifiers: MedGen C0950123, MeSH D030342.

Allele frequency attached by ClinVar (database versions not stated): gnomAD exomes below 0.00001.

Submission:

Ambry Genetics
Classification: Uncertain significance for Inborn genetic diseases. Last evaluated: 2023-11-23. Review status: criteria provided, single submitter. Criteria: Ambry Variant Classification Scheme 2023. Collection method: clinical testing. Allele origin: germline.
Comment: The p.A481T variant (also known as c.1441G>A), located in coding exon 13 of the LRRK2 gene, results from a G to A substitution at nucleotide position 1441. The alanine at codon 481 is replaced by threonine, an amino acid with similar properties. This amino acid position is conserved. In addition, this alteration is predicted to be tolerated by in silico analysis. Since supporting evidence is limited at this time, the clinical significance of this alteration remains unclear.